The following is an entry in ClinVar:

NM_006648.4(WNK2):c.6422A>C (p.Gln2141Pro)

Gene: WNK2 (WNK lysine deficient protein kinase 2; plus strand). Cytogenetic location: 9q22.31.
Variant type: single nucleotide variant.
Coding change: c.6422A>C on transcript NM_006648.4 (MANE Select); coding-DNA position 6422, A replaced by C.
Protein change: p.Gln2141Pro; replaces glutamine 2141 with proline.
Molecular consequence: missense variant.
Genome position (GRCh38, 1-based): chr9:93,308,490, A>C. VCF-style: chr9-93308490-A-C. GRCh37 (hg19) VCF-style: chr9-96070772-A-C.
Other names: c.6533A>C, p.Gln2178Pro (NM_001282394.3); short protein forms Q2141P, Q2178P.
Identifiers: ClinVar variation 4844901 (VCV004844901.1).
Genomic context (GRCh38, chr9:93,308,490, plus strand): 5'-TCACGGACGACCTGCACAAGCTGGTGGACGAGTGGACGAGCAAGACGGTGGGGGCCGCGC[A>C]GCTGAAGCCCACGCTCAACCAGCTGAAGCAGACCCAGAAGCTGCAAGACATGGAGGCCCA-3'
Protein context (NP_006639.3, residues 2131-2151): EWTSKTVGAA[Gln2141Pro]LKPTLNQLKQ

ClinVar aggregate classification (germline): Uncertain significance (1 of 4 stars; one submission).

gnomAD v4.1: 1 of 1,608,790 alleles (0.000062%); highest among the groups gnomAD compares: Admixed American, 0.0017%; no homozygotes.

Submission:

Ambry Genetics
Classification: Uncertain significance. Last evaluated: 2026-02-16. Review status: criteria provided, single submitter. Criteria: Ambry Variant Classification Scheme 2023. Collection method: clinical testing. Allele origin: germline.
Comment: The p.Q2141P variant (also known as c.6422A>C), located in coding exon 27 of the WNK2 gene, results from an A to C substitution at nucleotide position 6422. The glutamine at codon 2141 is replaced by proline, an amino acid with similar properties. This amino acid position is conserved. In addition, this alteration is predicted to be tolerated by in silico analysis. Based on the available evidence, the clinical significance of this variant remains unclear.